The following is an entry in ClinVar:

ClinVar aggregate classification (germline): Uncertain significance. Review status: criteria provided, multiple submitters, no conflicts (2 of 4 stars). 2 submissions from 2 submitters: Uncertain significance (2). Last evaluated 2025-11-08.

Conditions:
Inborn genetic diseases. Identifiers: MedGen C0950123, MeSH D030342.

Allele frequency attached by ClinVar (database versions not stated): gnomAD 0.00001.
gnomAD v4.1: 1 of 1,553,310 alleles (0.000064%); highest among the groups gnomAD compares: Admixed American, 0.002%; no homozygotes.

Submissions (2):

Labcorp Genetics (formerly Invitae), Labcorp
Classification: Uncertain significance. Last evaluated: 2025-11-08. Review status: criteria provided, single submitter. Criteria: Invitae Variant Classification Sherloc (09022015). Collection method: clinical testing. Allele origin: germline.
Comment: This sequence change replaces arginine, which is basic and polar, with cysteine, which is neutral and slightly polar, at codon 235 of the TBXA2R protein (p.Arg235Cys). This variant is not present in population databases (gnomAD no frequency). This variant has not been reported in the literature in individuals affected with TBXA2R-related conditions. ClinVar contains an entry for this variant (Variation ID: 2489070). An algorithm developed to predict the effect of missense changes on protein structure and function (PolyPhen-2) suggests that this variant is likely to be disruptive. In summary, the available evidence is currently insufficient to determine the role of this variant in disease. Therefore, it has been classified as a Variant of Uncertain Significance.

Ambry Genetics
Classification: Uncertain significance for Inborn genetic diseases. Last evaluated: 2023-02-23. Review status: criteria provided, single submitter. Criteria: Ambry Variant Classification Scheme 2023. Collection method: clinical testing. Allele origin: germline.

NM_001060.6(TBXA2R):c.703C>T (p.Arg235Cys)

Gene: TBXA2R (thromboxane A2 receptor; minus strand). Cytogenetic location: 19p13.3.
Variant type: single nucleotide variant.
Coding change: c.703C>T on transcript NM_001060.6 (MANE Select); coding-DNA position 703, C replaced by T.
Protein change: p.Arg235Cys; replaces arginine 235 with cysteine.
Molecular consequence: missense variant.
Genome position (GRCh38, 1-based): chr19:3,599,932, G>A on the plus strand (C>T on the coding strand, the complement: TBXA2R is on the minus strand). VCF-style: chr19-3599932-G-A. GRCh37 (hg19) VCF-style: chr19-3599930-G-A.
Other names: c.703C>T, p.Arg235Cys (NM_201636.3); short protein forms R235C.
Identifiers: ClinVar variation 2489070 (VCV002489070.3), dbSNP rs2032685577, ClinGen allele CA403333164.
Genomic context (GRCh38, chr19:3,599,932, plus strand): 5'-TGGCCACCACCATGATCCCCAGGAGCTGAGCCATCATCTCCACCTCGGAGTCCCGGGGAC[G>A]CTGCTGGGCCGCCTCCTGCCCGTGGTAGACGTGGCACAGGGTGGCCACGCTGACCGTGTT-3'
Protein context (NP_001051.1, residues 225-245): VYHGQEAAQQ[Arg235Cys]PRDSEVEMMA